The following is an entry in ClinVar:

ClinVar aggregate classification (germline): Uncertain significance (1 of 4 stars; one submission).

Conditions:
TMEM165-congenital disorder of glycosylation. Also called: CDG IIk; TMEM165-CDG; Congenital disorder of glycosylation type 2k. Identifiers: Orphanet 314667, MedGen C3553571, MONDO:0013870, OMIM 614727.

Allele frequency attached by ClinVar (database versions not stated): gnomAD 0.00003; TOPMed 0.00003; ExAC 0.00005; ESP Exome Variant Server 0.00008.
gnomAD v4.1: 31 of 1,613,766 alleles (0.0019%); highest among the groups gnomAD compares: South Asian, 0.02%; no homozygotes.

Submission:

Labcorp Genetics (formerly Invitae), Labcorp
Classification: Uncertain significance for TMEM165-congenital disorder of glycosylation. Last evaluated: 2022-08-09. Review status: criteria provided, single submitter. Criteria: Invitae Variant Classification Sherloc (09022015). Collection method: clinical testing. Allele origin: germline.
Comment: In summary, the available evidence is currently insufficient to determine the role of this variant in disease. Therefore, it has been classified as a Variant of Uncertain Significance. Algorithms developed to predict the effect of missense changes on protein structure and function are either unavailable or do not agree on the potential impact of this missense change (SIFT: "Tolerated"; PolyPhen-2: "Possibly Damaging"; Align-GVGD: "Class C0"). This variant has not been reported in the literature in individuals affected with TMEM165-related conditions. This variant is present in population databases (rs140292015, gnomAD 0.03%). This sequence change replaces arginine, which is basic and polar, with glutamine, which is neutral and polar, at codon 176 of the TMEM165 protein (p.Arg176Gln).

NM_018475.5(TMEM165):c.527G>A (p.Arg176Gln)

Gene: TMEM165 (transmembrane protein 165; plus strand). Cytogenetic location: 4q12.
Variant type: single nucleotide variant.
Coding change: c.527G>A on transcript NM_018475.5 (MANE Select); coding-DNA position 527, G replaced by A.
Protein change: p.Arg176Gln; replaces arginine 176 with glutamine.
Molecular consequence: missense variant. On other transcripts: non-coding transcript variant (1).
Genome position (GRCh38, 1-based): chr4:55,417,165, G>A. VCF-style: chr4-55417165-G-A. GRCh37 (hg19) VCF-style: chr4-56283332-G-A.
Other names: short protein forms R176Q.
Identifiers: ClinVar variation 2173906 (VCV002173906.4), dbSNP rs140292015, ClinGen allele CA2925536.